The following is an entry in ClinVar:

ClinVar aggregate classification (germline): Uncertain significance (1 of 4 stars; one submission).

Allele frequency attached by ClinVar (database versions not stated): gnomAD exomes 0.00001; TOPMed 0.00001; ExAC 0.00004.
gnomAD v4.1: 14 of 1,613,150 alleles (0.00087%); highest among the groups gnomAD compares: Admixed American, 0.0033%; no homozygotes.

Submission:

Labcorp Genetics (formerly Invitae), Labcorp
Classification: Uncertain significance. Last evaluated: 2022-10-13. Review status: criteria provided, single submitter. Criteria: Invitae Variant Classification Sherloc (09022015). Collection method: clinical testing. Allele origin: germline.
Comment: This sequence change replaces alanine, which is neutral and non-polar, with threonine, which is neutral and polar, at codon 371 of the CACNA1B protein (p.Ala371Thr). This variant is present in population databases (rs768660275, gnomAD 0.006%). This variant has not been reported in the literature in individuals affected with CACNA1B-related conditions. Advanced modeling of protein sequence and biophysical properties (such as structural, functional, and spatial information, amino acid conservation, physicochemical variation, residue mobility, and thermodynamic stability) performed at Invitae indicates that this missense variant is not expected to disrupt CACNA1B protein function. In summary, the available evidence is currently insufficient to determine the role of this variant in disease. Therefore, it has been classified as a Variant of Uncertain Significance.

NM_000718.4(CACNA1B):c.1111G>A (p.Ala371Thr)

Gene: CACNA1B (calcium voltage-gated channel subunit alpha1 B; plus strand). Cytogenetic location: 9q34.3.
Variant type: single nucleotide variant.
Coding change: c.1111G>A on transcript NM_000718.4 (MANE Select); coding-DNA position 1111, G replaced by A.
Protein change: p.Ala371Thr; replaces alanine 371 with threonine.
Molecular consequence: missense variant.
Genome position (GRCh38, 1-based): chr9:137,955,738, G>A. VCF-style: chr9-137955738-G-A. GRCh37 (hg19) VCF-style: chr9-140850190-G-A.
Other names: c.1111G>A, p.Ala371Thr (NM_001243812.2); short protein forms A371T.
Identifiers: ClinVar variation 2113287 (VCV002113287.4), dbSNP rs768660275, ClinGen allele CA5376047.